The following is an entry in ClinVar:

ClinVar aggregate classification (germline): Pathogenic (1 of 4 stars; one submission).

Conditions:
Hereditary breast ovarian cancer syndrome. Also called: Breast and ovarian cancer; BRCA1- and BRCA2-Associated Hereditary Breast and Ovarian Cancer; Hereditary breast and ovarian cancer syndrome; Hereditary breast and/or ovarian cancer syndrome; Hereditary breast and ovarian cancer; Hereditary breast and ovarian cancer syndrome (HBOC). Identifiers: Orphanet 145, MedGen C0677776, MeSH D061325, MONDO:0003582. Disease mechanism: loss of function.

Submission:

Labcorp Genetics (formerly Invitae), Labcorp
Classification: Pathogenic for Hereditary breast ovarian cancer syndrome. Last evaluated: 2024-08-10. Review status: criteria provided, single submitter. Criteria: Invitae Variant Classification Sherloc (09022015). Collection method: clinical testing. Allele origin: germline.
Comment: This sequence change creates a premature translational stop signal (p.Glu827Argfs*3) in the BRCA1 gene. It is expected to result in an absent or disrupted protein product. Loss-of-function variants in BRCA1 are known to be pathogenic (PMID: 20104584). This variant is not present in population databases (gnomAD no frequency). This variant has not been reported in the literature in individuals affected with BRCA1-related conditions. ClinVar contains an entry for this variant (Variation ID: 1068565). For these reasons, this variant has been classified as Pathogenic.

Literature cited by the submitters: PubMed 20104584.

NM_007294.4(BRCA1):c.2479_2480del (p.Glu827fs)

Gene: BRCA1 (BRCA1 DNA repair associated; minus strand). Cytogenetic location: 17q21.31.
Variant type: Deletion.
Coding change: c.2479_2480del on transcript NM_007294.4 (MANE Select); coding-DNA positions 2479 to 2480, 2 bases deleted (GA; older notation c.2479_2480delGA).
Protein change: p.Glu827fs; shifts the reading frame from glutamic acid 827.
Molecular consequence: frameshift variant. On other transcripts: intron variant (137).
Genome position (GRCh38, 1-based): chr17:43,093,051-43,093,052, TC deleted on the plus strand (GA on the coding strand, the reverse complement: BRCA1 is on the minus strand); deleting any 2 consecutive bases within chr17:43,093,051-43,093,053 gives the same sequence; the c. name uses the placement nearest the transcript's 3' end. VCF-style (leftmost placement, unchanged base first): chr17-43093050-TTC-T. GRCh37 (hg19) VCF-style: chr17-41245067-TTC-T.
Other names: c.709+1692_709+1693del (NM_001408415.1, NM_001408412.1, NM_001408409.1 and 2 more transcripts); c.577+1692_577+1693del (NM_001408483.1, NM_001408481.1, NM_001408480.1 and 9 more transcripts); c.664+1692_664+1693del (NM_001408442.1, NM_001408426.1, NM_001408436.1 and 12 more transcripts); c.787+1692_787+1693del (NM_001407982.1, NM_001407970.1, NM_001407980.1 and 17 more transcripts); c.2266_2267del, p.Glu756fs (NM_001407571.1, NM_001407853.1, NM_001407894.1 and 9 more transcripts); c.2479_2480del, p.Glu827fs (NM_001407581.1, NM_001407582.1, NM_001407583.1 and 30 more transcripts); c.2476_2477del, p.Glu826fs (NM_001407587.1, NM_001407590.1, NM_001407591.1 and 22 more transcripts); c.2470_2471del, p.Glu824fs (NM_001407646.1, NM_001407647.1); and 41 more; short protein forms E780fs, E827fs, E715fs, E786fs, E826fs, E659fs, E738fs, E756fs.
Identifiers: ClinVar variation 1068565 (VCV001068565.8), dbSNP rs2154375290, ClinGen allele CA2499224506.
Genomic context (GRCh38, chr17:43,093,050, plus strand): 5'-CATTTCTATGCTTGTTTCCCGACTGTGGTTAACTTCATGTCCCAATGGATACTTAAAGCC[TTC>T]TGTGTCATTTCTATTATCTTTGGAACAACCATGAATTAGTCCCTTGGGGTTTTCAAATGC-3'